The following is an entry in ClinVar:

ClinVar aggregate classification (germline): Conflicting classifications of pathogenicity. Review status: criteria provided, conflicting classifications (1 of 4 stars). 4 submissions from 4 submitters: Uncertain significance (3); Likely benign (1). Last evaluated 2025-10-28.

Conditions:
Hereditary breast ovarian cancer syndrome. Also called: Hereditary breast and ovarian cancer syndrome; Hereditary breast and ovarian cancer syndrome (HBOC); BRCA1- and BRCA2-Associated Hereditary Breast and Ovarian Cancer; Hereditary breast and/or ovarian cancer syndrome; Hereditary breast and ovarian cancer; Breast and ovarian cancer. Identifiers: Orphanet 145, MedGen C0677776, MeSH D061325, MONDO:0003582. Disease mechanism: loss of function.
Hereditary cancer-predisposing syndrome. Also called: Neoplastic Syndromes, Hereditary; Tumor predisposition; Hereditary neoplastic syndrome; Hereditary Cancer Syndrome. Identifiers: Orphanet 140162, MedGen C0027672, MeSH D009386, MONDO:0015356.

gnomAD v4.1: 6 of 1,595,932 alleles (0.00038%); highest among the groups gnomAD compares: Non-Finnish European, 0.00043%; no homozygotes.

Submissions (4):

Color Diagnostics, LLC DBA Color Health
Classification: Uncertain significance for Hereditary cancer-predisposing syndrome. Last evaluated: 2025-10-28. Review status: criteria provided, single submitter. Criteria: ACMG Guidelines, 2015. Collection method: clinical testing. Allele origin: germline.
Comment: This missense variant replaces glutamine with histidine at codon 1683 of the BRCA2 protein. Computational prediction suggests that this variant may not impact protein structure and function. To our knowledge, functional studies have not been reported for this variant. This variant has been detected in a breast cancer case-control meta-analysis in 1/60466 cases and absent in 53461 unaffected individuals (PMID: 33471991LOVD DB-ID BRCA2_008288). Multifactorial analysis reached a likelihood ratio (LR) of 0.352 based on case-control data (PMID: 40413188). This variant has been identified in 6/1443664 chromosomes in the general population by the Genome Aggregation Database (gnomAD). The available evidence is insufficient to determine the role of this variant in disease conclusively. Therefore, this variant is classified as a Variant of Uncertain Significance.

Labcorp Genetics (formerly Invitae), Labcorp
Classification: Uncertain significance for Hereditary breast ovarian cancer syndrome. Last evaluated: 2025-02-05. Review status: criteria provided, single submitter. Criteria: Invitae Variant Classification Sherloc (09022015). Collection method: clinical testing. Allele origin: germline.
Comment: This sequence change replaces glutamine, which is neutral and polar, with histidine, which is basic and polar, at codon 1683 of the BRCA2 protein (p.Gln1683His). This variant is not present in population databases (gnomAD no frequency). This variant has not been reported in the literature in individuals affected with BRCA2-related conditions. ClinVar contains an entry for this variant (Variation ID: 579983). Invitae Evidence Modeling of protein sequence and biophysical properties (such as structural, functional, and spatial information, amino acid conservation, physicochemical variation, residue mobility, and thermodynamic stability) indicates that this missense variant is not expected to disrupt BRCA2 protein function with a negative predictive value of 95%. In summary, the available evidence is currently insufficient to determine the role of this variant in disease. Therefore, it has been classified as a Variant of Uncertain Significance.

University of Washington Department of Laboratory Medicine, University of Washington
Classification: Likely benign for Hereditary cancer-predisposing syndrome. Last evaluated: 2023-03-23. Review status: criteria provided, single submitter. Criteria: Dines et al. (Genet Med. 2020). Collection method: curation. Allele origin: germline.
Comment: Missense variant in a coldspot region where missense variants are very unlikely to be pathogenic (PMID:31911673).

BRCA2 exon 11 coldspot. Reclassification based on statistical prior probability.

Ambry Genetics
Classification: Uncertain significance for Hereditary cancer-predisposing syndrome. Last evaluated: 2022-04-06. Review status: criteria provided, single submitter. Criteria: Ambry Variant Classification Scheme 2023. Collection method: clinical testing. Allele origin: germline.
Comment: The p.Q1683H variant (also known as c.5049G>C), located in coding exon 10 of the BRCA2 gene, results from a G to C substitution at nucleotide position 5049. The glutamine at codon 1683 is replaced by histidine, an amino acid with highly similar properties. This amino acid position is not well conserved in available vertebrate species. In addition, this alteration is predicted to be tolerated by in silico analysis. Since supporting evidence is limited at this time, the clinical significance of this alteration remains unclear.

Literature cited by the submitters: PubMed 33471991 (cited by Color Diagnostics, LLC DBA Color Health); PubMed 40413188 (cited by Color Diagnostics, LLC DBA Color Health).

NM_000059.4(BRCA2):c.5049G>C (p.Gln1683His)

Gene: BRCA2 (BRCA2 DNA repair associated; plus strand). Cytogenetic location: 13q13.1.
Variant type: single nucleotide variant.
Coding change: c.5049G>C on transcript NM_000059.4 (MANE Select); coding-DNA position 5049, G replaced by C.
Protein change: p.Gln1683His; replaces glutamine 1683 with histidine.
Molecular consequence: missense variant.
Genome position (GRCh38, 1-based): chr13:32,339,404, G>C. VCF-style: chr13-32339404-G-C. GRCh37 (hg19) VCF-style: chr13-32913541-G-C.
Other names: short protein forms Q1683H.
Identifiers: ClinVar variation 579983 (VCV000579983.14), dbSNP rs773973434, ClinGen allele CA387784017.